The following is an entry in ClinVar:

NM_001844.5(COL2A1):c.2545G>A (p.Gly849Ser)

Gene: COL2A1 (collagen type II alpha 1 chain; minus strand). Cytogenetic location: 12q13.11.
Variant type: single nucleotide variant.
Coding change: c.2545G>A on transcript NM_001844.5 (MANE Select); coding-DNA position 2545, G replaced by A.
Protein change: p.Gly849Ser; replaces glycine 849 with serine.
Molecular consequence: missense variant.
Genome position (GRCh38, 1-based): chr12:47,980,634, C>T on the plus strand (G>A on the coding strand, the complement: COL2A1 is on the minus strand). VCF-style: chr12-47980634-C-T. GRCh37 (hg19) VCF-style: chr12-48374417-C-T.
Other names: c.2338G>A, p.Gly780Ser (NM_033150.3); short protein forms G780S, G849S.
Identifiers: ClinVar variation 2499873 (VCV002499873.1), dbSNP rs1302361762, ClinGen allele CA384544503.

ClinVar aggregate classification (germline): Likely pathogenic (1 of 4 stars; one submission).

Submission:

GeneDx
Classification: Likely pathogenic. Last evaluated: 2022-10-20. Review status: criteria provided, single submitter. Criteria: GeneDx Variant Classification Process June 2021. Collection method: clinical testing. Allele origin: germline. Affected: yes.
Comment: Occurs in the triple helical domain and replaces a glycine in a canonical Gly-X-Y repeat; missense substitution of a canonical glycine residue is expected to disrupt normal protein folding and function, and this is an established mechanism of disease (Jovanovic et al., 2021); Not observed at significant frequency in large population cohorts (gnomAD); In silico analysis supports that this missense variant has a deleterious effect on protein structure/function; Has not been previously published as pathogenic or benign to our knowledge; This variant is associated with the following publications: (PMID: 34007986, 22791362)